The following is an entry in ClinVar:

ClinVar aggregate classification (germline): Uncertain significance. Review status: criteria provided, multiple submitters, no conflicts (2 of 4 stars). 3 submissions from 3 submitters: Uncertain significance (2). 1 of the submissions does not count toward it. Last evaluated 2026-03-01.

Conditions:
ANKRD17-related disorder. Also called: ANKRD17-related condition.

Allele frequency attached by ClinVar (database versions not stated): TOPMed 0.00001.

Submissions (3):

CeGaT Center for Human Genetics Tuebingen
Classification: Uncertain significance. Last evaluated: 2026-03-01. Review status: criteria provided, single submitter. Criteria: CeGaT Center For Human Genetics Tuebingen Variant Classification Criteria Version 2. Collection method: clinical testing. Allele origin: germline. Affected: yes. Observed: 1 variant allele.
Comment: ANKRD17: PM2, PM1:Supporting, PP2

GeneDx
Classification: Uncertain significance. Last evaluated: 2022-06-03. Review status: criteria provided, single submitter. Criteria: GeneDx Variant Classification Process June 2021. Collection method: clinical testing. Allele origin: germline. Affected: yes.
Comment: Not observed at significant frequency in large population cohorts (gnomAD); In silico analysis supports that this missense variant has a deleterious effect on protein structure/function; Has not been previously published as pathogenic or benign to our knowledge

PreventionGenetics, part of Exact Sciences
Classification: Uncertain significance for ANKRD17-related condition. Last evaluated: 2023-12-12. Review status: no assertion criteria provided. Collection method: clinical testing. Allele origin: germline. Not counted in ClinVar's aggregate classification.
Comment: The ANKRD17 c.1367G>C variant is predicted to result in the amino acid substitution p.Ser456Thr. To our knowledge, this variant has not been reported in the literature or in a large population database, indicating this variant is rare. At this time, the clinical significance of this variant is uncertain due to the absence of conclusive functional and genetic evidence.

NM_032217.5(ANKRD17):c.1367G>C (p.Ser456Thr)

Gene: ANKRD17 (ankyrin repeat domain 17; minus strand). Cytogenetic location: 4q13.3.
Variant type: single nucleotide variant.
Coding change: c.1367G>C on transcript NM_032217.5 (MANE Select); coding-DNA position 1367, G replaced by C.
Protein change: p.Ser456Thr; replaces serine 456 with threonine.
Molecular consequence: missense variant.
Genome position (GRCh38, 1-based): chr4:73,149,013, C>G on the plus strand (G>C on the coding strand, the complement: ANKRD17 is on the minus strand). VCF-style: chr4-73149013-C-G. GRCh37 (hg19) VCF-style: chr4-74014730-C-G.
Other names: c.1367G>C (NM_032217.4); c.1028G>C, p.Ser343Thr (NM_001286771.3); c.1367G>C, p.Ser456Thr (NM_015574.2, NM_198889.3); short protein forms S343T, S456T.
Identifiers: ClinVar variation 1801941 (VCV001801941.7), dbSNP rs957258479, ClinGen allele CA99682131.
Genomic context (GRCh38, chr4:73,149,013, plus strand): 5'-CATGCAGCCAAAGTTAATGGTGACTCAAATGAATCAGCAGGCATGTTCACTTGGGCACCG[C>G]TGTCAAGAAGTAACCTAGCTACTTCAACATGGCCATCCTAATGATAATACAATTTAAAAA-3'
Protein context (NP_115593.3, residues 446-466): HVEVARLLLD[Ser456Thr]GAQVNMPADS